The following is an entry in ClinVar:

NM_001114753.3(ENG):c.753_758del (p.Ile252_Leu253del)

Gene: ENG (endoglin; minus strand). Cytogenetic location: 9q34.11.
Variant type: Deletion.
Coding change: c.753_758del on transcript NM_001114753.3 (MANE Select); coding-DNA positions 753 to 758, 6 bases deleted (CATCCT; older notation c.753_758delCATCCT).
Protein change: p.Ile252_Leu253del.
Molecular consequence: inframe deletion.
Genome position (GRCh38, 1-based): chr9:127,825,289-127,825,294, AGGATG deleted on the plus strand (CATCCT on the coding strand, the reverse complement: ENG is on the minus strand); deleting any 6 consecutive bases within chr9:127,825,289-127,825,298 gives the same sequence; the c. name uses the placement nearest the transcript's 3' end. VCF-style (leftmost placement, unchanged base first): chr9-127825288-CAGGATG-C. GRCh37 (hg19) VCF-style: chr9-130587567-CAGGATG-C.
Other names: Ile252_Leu253del; c.753_758del, p.Ile252_Leu253del (NM_000118.4, NM_001406715.1); c.207_212del, p.Ile70_Leu71del (NM_001278138.2).
Identifiers: ClinVar variation 4073544 (VCV004073544.1).

ClinVar aggregate classification (germline): Pathogenic (1 of 4 stars; one submission).

Conditions:
Telangiectasia, hereditary hemorrhagic, type 1 (HHT1). Also called: Osler Weber Rendu syndrome type 1; ENG-Related Hereditary Hemorrhagic Telangiectasia. Identifiers: Orphanet 774, MedGen C4551861, MONDO:0008535, OMIM 187300. Disease mechanism: loss of function.

Submission:

Medical Genetics Clinic, University of Catania
Classification: Pathogenic for Telangiectasia, hereditary hemorrhagic, type 1. Last evaluated: 2025-04-16. Review status: criteria provided, single submitter. Criteria: ACMG Guidelines, 2015. Collection method: clinical testing. Allele origin: de novo. Inheritance: Autosomal dominant inheritance. Affected: yes. Observed: 1 heterozygote.
Comment: The variant c.753_758del (p.Ile252_Leu253del) is located in exon 6 of the ENG gene. Protein length changes resulting from in-frame deletions/insertions in a non-repeat region or a stop-loss variant. 8 pathogenic or likely pathogenic reported variants were found in a 57bp region surrounding this variant in the exon 6 without any missense benign variants.The variant is located in a conserved region (PhyloP100: 3.739) of the protein and it is not present in the frequency databases. In silico predictions suggest a deleterious effect on the structure/function of the protein (Provean score: -10,279, Deleterious). In the light of the above, the c.753_758del (p.Ile252_Leu253del) variant of the ENG gene has been classified as a Pathogenetic variant.